The following is an entry in ClinVar:

NM_002661.5(PLCG2):c.371C>T (p.Ser124Phe)

Gene: PLCG2 (phospholipase C gamma 2; plus strand). Cytogenetic location: 16q23.3.
Variant type: single nucleotide variant.
Coding change: c.371C>T on transcript NM_002661.5 (MANE Select); coding-DNA position 371, C replaced by T.
Protein change: p.Ser124Phe; replaces serine 124 with phenylalanine.
Molecular consequence: missense variant.
Genome position (GRCh38, 1-based): chr16:81,858,296, C>T. VCF-style: chr16-81858296-C-T. GRCh37 (hg19) VCF-style: chr16-81891901-C-T.
Other names: c.371C>T, p.Ser124Phe (NM_001425749.1, NM_001425750.1, NM_001425751.1); short protein forms S124F.
Identifiers: ClinVar variation 3633658 (VCV003633658.2).

ClinVar aggregate classification (germline): Uncertain significance (1 of 4 stars; one submission).

Conditions:
Familial cold autoinflammatory syndrome 3 (FCAS3). Also called: ANTIBODY DEFICIENCY AND IMMUNE DYSREGULATION, PLCG2-ASSOCIATED; FAMILIAL ATYPICAL COLD URTICARIA. Identifiers: Orphanet 300359, MedGen C3280914, MONDO:0013766, OMIM 614468.

gnomAD v4.1: 5 of 1,614,028 alleles (0.00031%); highest among the groups gnomAD compares: Admixed American, 0.0033%; no homozygotes.

Submission:

Labcorp Genetics (formerly Invitae), Labcorp
Classification: Uncertain significance for Familial cold autoinflammatory syndrome 3. Last evaluated: 2025-01-07. Review status: criteria provided, single submitter. Criteria: Invitae Variant Classification Sherloc (09022015). Collection method: clinical testing. Allele origin: germline.
Comment: This sequence change replaces serine, which is neutral and polar, with phenylalanine, which is neutral and non-polar, at codon 124 of the PLCG2 protein (p.Ser124Phe). This variant is present in population databases (no rsID available, gnomAD 0.003%). This variant has not been reported in the literature in individuals affected with PLCG2-related conditions. An algorithm developed to predict the effect of missense changes on protein structure and function (PolyPhen-2) suggests that this variant is likely to be tolerated. In summary, the available evidence is currently insufficient to determine the role of this variant in disease. Therefore, it has been classified as a Variant of Uncertain Significance.